The following is an entry in ClinVar:

ClinVar aggregate classification (germline): Uncertain significance (1 of 4 stars; one submission).

Conditions:
Early-infantile DEE. Also called: Early infantile epileptic encephalopathy; Early infantile epileptic encephalopathy with suppression bursts; Ohtahara syndrome. Identifiers: Orphanet 1934, MedGen C0393706, MONDO:0800491.

gnomAD v4.1: 1 of 1,614,082 alleles (0.000062%); highest among the groups gnomAD compares: Non-Finnish European, 0.000085%; no homozygotes.

Submission:

Labcorp Genetics (formerly Invitae), Labcorp
Classification: Uncertain significance for Early-infantile DEE. Last evaluated: 2024-02-24. Review status: criteria provided, single submitter. Criteria: Invitae Variant Classification Sherloc (09022015). Collection method: clinical testing. Allele origin: germline.
Comment: This sequence change replaces aspartic acid, which is acidic and polar, with glycine, which is neutral and non-polar, at codon 2139 of the SPTAN1 protein (p.Asp2139Gly). This variant is not present in population databases (gnomAD no frequency). This variant has not been reported in the literature in individuals affected with SPTAN1-related conditions. ClinVar contains an entry for this variant (Variation ID: 2095959). Advanced modeling of protein sequence and biophysical properties (such as structural, functional, and spatial information, amino acid conservation, physicochemical variation, residue mobility, and thermodynamic stability) has been performed at Invitae for this missense variant, however the output from this modeling did not meet the statistical confidence thresholds required to predict the impact of this variant on SPTAN1 protein function. In summary, the available evidence is currently insufficient to determine the role of this variant in disease. Therefore, it has been classified as a Variant of Uncertain Significance.

NM_001130438.3(SPTAN1):c.6416A>G (p.Asp2139Gly)

Gene: SPTAN1 (spectrin alpha, non-erythrocytic 1; plus strand). Cytogenetic location: 9q34.11.
Variant type: single nucleotide variant.
Coding change: c.6416A>G on transcript NM_001130438.3 (MANE Select); coding-DNA position 6416, A replaced by G.
Protein change: p.Asp2139Gly; replaces aspartic acid 2139 with glycine.
Molecular consequence: missense variant.
Genome position (GRCh38, 1-based): chr9:128,626,527, A>G. VCF-style: chr9-128626527-A-G. GRCh37 (hg19) VCF-style: chr9-131388806-A-G.
Other names: c.6341A>G, p.Asp2114Gly (NM_001195532.2); c.6416A>G, p.Asp2139Gly (NM_001363759.2, NM_001375310.1, NM_001375311.2 and 1 more transcripts); c.6356A>G, p.Asp2119Gly (NM_001363765.2, NM_001375314.2); c.6452A>G, p.Asp2151Gly (NM_001375312.2, NM_001375318.1); c.6401A>G, p.Asp2134Gly (NM_003127.4); short protein forms D2151G, D2114G, D2119G, D2134G, D2139G.
Identifiers: ClinVar variation 2095959 (VCV002095959.4), dbSNP rs1554766833, ClinGen allele CA375088846.